The following is an entry in ClinVar:

ClinVar aggregate classification (germline): Uncertain significance (1 of 4 stars; one submission).

Conditions:
Long QT syndrome (LQTS). Identifiers: MedGen C0023976, MeSH D008133, MONDO:0002442. Disease mechanism: loss of function. Inheritance: Various modes of inheritance.

Allele frequency attached by ClinVar (database versions not stated): TOPMed below 0.00001.
gnomAD v4.1: 6 of 1,581,060 alleles (0.00038%); highest among the groups gnomAD compares: South Asian, 0.0012%; no homozygotes.

Submission:

Labcorp Genetics (formerly Invitae), Labcorp
Classification: Uncertain significance for Long QT syndrome. Last evaluated: 2022-06-15. Review status: criteria provided, single submitter. Criteria: Invitae Variant Classification Sherloc (09022015). Collection method: clinical testing. Allele origin: germline.
Comment: This sequence change replaces arginine, which is basic and polar, with histidine, which is basic and polar, at codon 192 of the CACNA1C protein (p.Arg192His). This variant has not been reported in the literature in individuals affected with CACNA1C-related conditions. The frequency data for this variant in the population databases is considered unreliable, as metrics indicate poor data quality at this position in the gnomAD database. In summary, the available evidence is currently insufficient to determine the role of this variant in disease. Therefore, it has been classified as a Variant of Uncertain Significance. Algorithms developed to predict the effect of missense changes on protein structure and function are either unavailable or do not agree on the potential impact of this missense change (SIFT: "Deleterious"; PolyPhen-2: "Probably Damaging"; Align-GVGD: "Class C0").

NM_000719.7(CACNA1C):c.575G>A (p.Arg192His)

Gene: CACNA1C (calcium voltage-gated channel subunit alpha1 C; plus strand). Cytogenetic location: 12p13.33.
Variant type: single nucleotide variant.
Coding change: c.575G>A on transcript NM_000719.7 (MANE Select); coding-DNA position 575, G replaced by A.
Protein change: p.Arg192His; replaces arginine 192 with histidine.
Molecular consequence: missense variant.
Genome position (GRCh38, 1-based): chr12:2,449,073, G>A. VCF-style: chr12-2449073-G-A. GRCh37 (hg19) VCF-style: chr12-2558239-G-A.
Other names: c.575G>A, p.Arg192His (NM_001129827.2, NM_001129829.2, NM_001129830.3 and 19 more transcripts); short protein forms R192H.
Identifiers: ClinVar variation 2146634 (VCV002146634.4), dbSNP rs969789637, ClinGen allele CA231563747.
Genomic context (GRCh38, chr12:2,449,073, plus strand): 5'-TGGAAGCGTTTTTAAAAGTAATCGCCTATGGACTCCTCTTTCACCCCAATGCCTACCTCC[G>A]CAACGGCTGGAACCTACTAGATTTTATAATTGTGGTTGTGGGGTAAGTATCACTGTCTGT-3'
Protein context (NP_000710.5, residues 182-202): GLLFHPNAYL[Arg192His]NGWNLLDFII